The following is an entry in ClinVar:

ClinVar aggregate classification (germline): Likely benign (0 of 4 stars; one submission).

Conditions:
SEMA3F-related disorder. Also called: SEMA3F-related condition.

Submission:

PreventionGenetics, part of Exact Sciences
Classification: Likely benign for SEMA3F-related condition. Last evaluated: 2022-10-24. Review status: no assertion criteria provided. Collection method: clinical testing. Allele origin: germline.
Comment: This variant is classified as likely benign based on ACMG/AMP sequence variant interpretation guidelines (Richards et al. 2015 PMID: 25741868, with internal and published modifications).

NM_004186.5(SEMA3F):c.315G>A (p.Val105=)

Gene: SEMA3F (semaphorin 3F; plus strand). Cytogenetic location: 3p21.31.
Variant type: single nucleotide variant.
Coding change: c.315G>A on transcript NM_004186.5 (MANE Select); coding-DNA position 315, G replaced by A.
Protein change: p.Val105=; no amino-acid change (valine 105 retained).
Molecular consequence: synonymous variant.
Genome position (GRCh38, 1-based): chr3:50,174,093, G>A. VCF-style: chr3-50174093-G-A. GRCh37 (hg19) VCF-style: chr3-50211526-G-A.
Other names: c.111G>A, p.Val37= (NM_001318798.2); c.315G>A, p.Val105= (NM_001318800.2).
Identifiers: ClinVar variation 3351408 (VCV003351408.1).